The following is an entry in ClinVar:

NM_001943.5(DSG2):c.1011T>G (p.Ile337Met)

Gene: DSG2 (desmoglein 2; plus strand). Cytogenetic location: 18q12.1.
Variant type: single nucleotide variant.
Coding change: c.1011T>G on transcript NM_001943.5 (MANE Select); coding-DNA position 1011, T replaced by G.
Protein change: p.Ile337Met; replaces isoleucine 337 with methionine.
Molecular consequence: missense variant.
Genome position (GRCh38, 1-based): chr18:31,524,885, T>G. VCF-style: chr18-31524885-T-G. GRCh37 (hg19) VCF-style: chr18-29104848-T-G.
Other names: c.1011T>G (NM_001943.3); short protein forms I337M.
Identifiers: ClinVar variation 925608 (VCV000925608.7), dbSNP rs751003065, ClinGen allele CA041024.
Genomic context (GRCh38, chr18:31,524,885, plus strand): 5'-AGGAGGTTATTTCCACATAGAAACAGATGCTCAAACTAACGAAGGAATTGTGACCCTTAT[T>G]AAGGTAAGTACTAAGTATTCAAAACTGGCGTGGGCCAAGTTGGTGCTGGAAAGGAATCTA-3'
Protein context (NP_001934.2, residues 327-347): AQTNEGIVTL[Ile337Met]KEVDYEEMKN

ClinVar aggregate classification (germline): Uncertain significance. Review status: criteria provided, multiple submitters, no conflicts (2 of 4 stars). 2 submissions from 2 submitters: Uncertain significance (2). Last evaluated 2026-09-11.

Conditions:
Cardiomyopathy (CMYO). Also called: Cardiomyopathies. Identifiers: Orphanet 167848, MedGen C0878544, MONDO:0004994, HP:0001638. Inheritance: Various modes of inheritance.
Cardiovascular phenotype. Identifiers: MedGen CN230736.

Allele frequency attached by ClinVar (database versions not stated): ExAC 0.00001; gnomAD exomes 0.00001.
gnomAD v4.1: 8 of 1,614,110 alleles (0.0005%); highest among the groups gnomAD compares: East Asian, 0.018%; no homozygotes.

Submissions (2):

Ambry Genetics
Classification: Uncertain significance for Cardiovascular phenotype. Last evaluated: 2026-09-11. Review status: criteria provided, single submitter. Criteria: Ambry Variant Classification Scheme 2023. Collection method: clinical testing. Allele origin: germline.
Comment: The p.I337M variant (also known as c.1011T>G), located in coding exon 8 of the DSG2 gene, results from a T to G substitution at nucleotide position 1011. The isoleucine at codon 337 is replaced by methionine, an amino acid with highly similar properties. This amino acid position is conserved. In addition, this alteration is predicted to be tolerated by in silico analysis. Based on the available evidence, the clinical significance of this variant remains unclear.

Color Diagnostics, LLC DBA Color Health
Classification: Uncertain significance for Cardiomyopathy. Last evaluated: 2024-03-07. Review status: criteria provided, single submitter. Criteria: ACMG Guidelines, 2015. Collection method: clinical testing. Allele origin: germline.
Comment: This missense variant replaces isoleucine with methionine at codon 337 of the DSG2 protein. Computational prediction suggests that this variant may not impact protein structure and function (internally defined REVEL score threshold <= 0.5, PMID: 27666373). To our knowledge, functional studies have not been reported for this variant. This variant has not been reported in individuals affected with cardiovascular disorders in the literature. This variant has been identified in 2/249388 chromosomes in the general population by the Genome Aggregation Database (gnomAD). The available evidence is insufficient to determine the role of this variant in disease conclusively. Therefore, this variant is classified as a Variant of Uncertain Significance.